The following is an entry in ClinVar:

ClinVar aggregate classification (germline): Uncertain significance (1 of 4 stars; one submission).

Allele frequency attached by ClinVar (database versions not stated): gnomAD exomes below 0.00001; TOPMed below 0.00001.
gnomAD v4.1: 1 of 1,614,192 alleles (0.000062%); highest among the groups gnomAD compares: Admixed American, 0.0017%; no homozygotes.

Submission:

Labcorp Genetics (formerly Invitae), Labcorp
Classification: Uncertain significance. Last evaluated: 2022-07-12. Review status: criteria provided, single submitter. Criteria: Invitae Variant Classification Sherloc (09022015). Collection method: clinical testing. Allele origin: germline.
Comment: In summary, the available evidence is currently insufficient to determine the role of this variant in disease. Therefore, it has been classified as a Variant of Uncertain Significance. Advanced modeling of protein sequence and biophysical properties (such as structural, functional, and spatial information, amino acid conservation, physicochemical variation, residue mobility, and thermodynamic stability) performed at Invitae indicates that this missense variant is expected to disrupt CFI protein function. ClinVar contains an entry for this variant (Variation ID: 1520312). This variant has not been reported in the literature in individuals affected with CFI-related conditions. This variant is not present in population databases (gnomAD no frequency). This sequence change replaces tryptophan with arginine at codon 374 of the CFI protein (p.Trp374Arg). The tryptophan residue is highly conserved and there is a moderate physicochemical difference between tryptophan and arginine.

NM_000204.5(CFI):c.1120T>C (p.Trp374Arg)

Gene: CFI (complement factor I; minus strand). Cytogenetic location: 4q25.
Variant type: single nucleotide variant.
Coding change: c.1120T>C on transcript NM_000204.5 (MANE Select); coding-DNA position 1120, T replaced by C.
Protein change: p.Trp374Arg; replaces tryptophan 374 with arginine.
Molecular consequence: missense variant. On other transcripts: non-coding transcript variant (3).
Genome position (GRCh38, 1-based): chr4:109,749,246, A>G on the plus strand (T>C on the coding strand, the complement: CFI is on the minus strand). VCF-style: chr4-109749246-A-G. GRCh37 (hg19) VCF-style: chr4-110670402-A-G.
Other names: c.1144T>C, p.Trp382Arg (NM_001318057.2, NM_001375278.1); c.1099T>C, p.Trp367Arg (NM_001331035.2, NM_001375280.1, NM_001375282.1); c.1120T>C, p.Trp374Arg (NM_001375279.1, NM_001375281.1); c.1063T>C, p.Trp355Arg (NM_001375283.1); c.511T>C, p.Trp171Arg (NM_001375284.1); short protein forms W171R, W382R, W367R, W374R, W355R.
Identifiers: ClinVar variation 1520312 (VCV001520312.6), dbSNP rs1724838563, ClinGen allele CA357858717.